The following is an entry in ClinVar:

NM_016363.5(GP6):c.664+12A>G

Gene: GP6 (glycoprotein VI platelet; minus strand). Cytogenetic location: 19q13.42.
Variant type: single nucleotide variant.
Coding change: c.664+12A>G on transcript NM_016363.5 (MANE Select); 12 bases into the intron after coding-DNA position 664, A replaced by G.
Molecular consequence: intron variant.
Genome position (GRCh38, 1-based): chr19:55,025,206, T>C on the plus strand (A>G on the coding strand, the complement: GP6 is on the minus strand). VCF-style: chr19-55025206-T-C. GRCh37 (hg19) VCF-style: chr19-55536574-T-C.
Other names: c.610+2372A>G (NM_001256017.2); c.664+12A>G (NM_001083899.2).
Identifiers: ClinVar variation 2691365 (VCV002691365.4), dbSNP rs376003141, ClinGen allele CA310128558.
Genomic context (GRCh38, chr19:55,025,206, plus strand): 5'-GCAGAGAGGAGAGAGAGAAGGGGTCCGTGTACCTCATACGCTGTGCACCAGAATGGACCC[T>C]GCAGAACCTACCTGCTACCGGGGAAGGTGGTTCTGTTGGTAACCGGCTGGGGGTCACAGA-3'

ClinVar aggregate classification (germline): Likely benign. Review status: criteria provided, multiple submitters, no conflicts (2 of 4 stars). 2 submissions from 2 submitters: Likely benign (2). Last evaluated 2026-01-14.

Allele frequency attached by ClinVar (database versions not stated): TOPMed 0.00011; gnomAD exomes 0.00010; ESP Exome Variant Server 0.00025; gnomAD 0.00009.
gnomAD v4.1: 150 of 1,501,508 alleles (0.01%); highest among the groups gnomAD compares: Non-Finnish European, 0.013%; no homozygotes.

Submissions (2):

Labcorp Genetics (formerly Invitae), Labcorp
Classification: Likely benign. Last evaluated: 2026-01-14. Review status: criteria provided, single submitter. Criteria: Invitae Variant Classification Sherloc (09022015). Collection method: clinical testing. Allele origin: germline.

Women's Health and Genetics/Laboratory Corporation of America, LabCorp
Classification: Likely benign. Last evaluated: 2023-12-21. Review status: criteria provided, single submitter. Criteria: LabCorp Variant Classification Summary - May 2015. Collection method: clinical testing. Allele origin: germline.
Comment: Variant summary: GP6 c.664+12A>G alters a non-conserved nucleotide located at a position not widely known to affect splicing. Consensus agreement among computation tools predict no significant impact on normal splicing. However, these predictions have yet to be confirmed by functional studies. The variant allele was found at a frequency of 3.2e-05 in 158268 control chromosomes (gnomAD). The available data on variant occurrences in the general population are insufficient to allow any conclusion about variant significance. c.664+12A>G has been reported in the literature in at least one individual with cerebral vein thrombosis (e.g., Kramer_2023), however without strong evidence for causality (e.g., lack of co-occurrence and co-segregation data). This report therefore does not provide unequivocal conclusions about association of the variant with Platelet-Type Bleeding Disorder 11. To our knowledge, no experimental evidence demonstrating an impact on protein function has been reported. The following publication was ascertained in the context of this evaluation (PMID: 37175682). No submitters have reported clinical-significance assessments for this variant to ClinVar after 2014. Based on the evidence outlined above, the variant was classified as likely benign.

Literature cited by the submitters: PubMed 37175682 (cited by Women's Health and Genetics/Laboratory Corporation of America, LabCorp).